The following is an entry in ClinVar:

ClinVar aggregate classification (germline): Conflicting classifications of pathogenicity. Review status: criteria provided, conflicting classifications (1 of 4 stars). 2 submissions from 2 submitters: Likely pathogenic (1); Uncertain significance (1). Last evaluated 2022-12-13.

Conditions:
Amyotrophic lateral sclerosis (ALS). Also called: Charcot disease; Lou Gehrig disease. Identifiers: Orphanet 803, MedGen C0002736, MONDO:0004976, HP:0007354.
DAO-related disorder. Also called: DAO-related condition.

Allele frequency attached by ClinVar (database versions not stated): gnomAD 0.00001; gnomAD exomes 0.00001; TOPMed 0.00001; ExAC 0.00002.
gnomAD v4.1: 14 of 1,613,920 alleles (0.00087%); highest among the groups gnomAD compares: South Asian, 0.0044%; no homozygotes.

Submissions (2):

PreventionGenetics, part of Exact Sciences
Classification: Uncertain significance for DAO-related condition. Last evaluated: 2022-12-13. Review status: criteria provided, single submitter. Criteria: ACMG Guidelines, 2015. Collection method: clinical testing. Allele origin: germline.
Comment: The DAO c.250G>A variant is predicted to result in the amino acid substitution p.Ala84Thr. This variant was reported in two Malta individuals with amyotrophic lateral sclerosis (Table2, Wismayer et al. 2022. PubMed ID: 36549973). This variant is reported in 0.0065% of alleles in individuals of South Asian descent in gnomAD. At this time, the clinical significance of this variant is uncertain due to the absence of conclusive functional and genetic evidence.

UM ALS/MND Lab, University Of Malta
Classification: Likely pathogenic for Amyotrophic lateral sclerosis. Last evaluated: 2020-07-31. Review status: criteria provided, single submitter. Criteria: ACMG Guidelines, 2015. Collection method: case-control. Allele origin: unknown. Inheritance: Autosomal dominant inheritance. Affected: yes. Observed: 2 variant alleles, 2 heterozygotes.

NM_001917.5(DAO):c.250G>A (p.Ala84Thr)

Gene: DAO (D-amino acid oxidase; plus strand). Cytogenetic location: 12q24.11.
Variant type: single nucleotide variant.
Coding change: c.250G>A on transcript NM_001917.5 (MANE Select); coding-DNA position 250, G replaced by A.
Protein change: p.Ala84Thr; replaces alanine 84 with threonine.
Molecular consequence: missense variant.
Genome position (GRCh38, 1-based): chr12:108,887,505, G>A. VCF-style: chr12-108887505-G-A. GRCh37 (hg19) VCF-style: chr12-109281281-G-A.
Other names: short protein forms A84T.
Identifiers: ClinVar variation 976656 (VCV000976656.5), dbSNP rs781658657, ClinGen allele CA6771016.
Genomic context (GRCh38, chr12:108,887,505, plus strand): 5'-TCCAGGGACTGGAGCCAACAGACCTTTGACTATCTCCTGAGCCATGTCCATTCTCCCAAC[G>A]CTGAAAACCTGGGCCTGTTCCTAATCTCGGGCTACAACCTCTTCCATGAAGCCATTCCGG-3'
Protein context (NP_001908.3, residues 74-94): YLLSHVHSPN[Ala84Thr]ENLGLFLISG